The following is an entry in ClinVar:

ClinVar aggregate classification (germline): Uncertain significance (1 of 4 stars; one submission).

Conditions:
Hereditary breast ovarian cancer syndrome. Also called: Breast and ovarian cancer; BRCA1- and BRCA2-Associated Hereditary Breast and Ovarian Cancer; Hereditary breast and ovarian cancer; Hereditary breast and/or ovarian cancer syndrome; Hereditary breast and ovarian cancer syndrome; Hereditary breast and ovarian cancer syndrome (HBOC). Identifiers: Orphanet 145, MedGen C0677776, MeSH D061325, MONDO:0003582. Disease mechanism: loss of function.

Submission:

Labcorp Genetics (formerly Invitae), Labcorp
Classification: Uncertain significance for Hereditary breast ovarian cancer syndrome. Last evaluated: 2022-10-03. Review status: criteria provided, single submitter. Criteria: Invitae Variant Classification Sherloc (09022015). Collection method: clinical testing. Allele origin: germline.
Comment: This variant results in a copy number gain of the genomic region encompassing exon(s) 1-6 of the BRCA1 gene. This region includes the initiator codon of the gene. This copy number gain extends beyond the assayed region for this gene and therefore may encompass additional genes. As the precise location of this event is unknown, it may be in tandem or it may be located elsewhere in the genome. In summary, the available evidence is currently insufficient to determine the role of this variant in disease. Therefore, it has been classified as a Variant of Uncertain Significance. Experimental studies and prediction algorithms are not available or were not evaluated, and the functional significance of this variant is currently unknown. A similar copy number variant has been observed in individual(s) with clinical features of BRCA1-related conditions (PMID: 30054569).

Literature cited by the submitters: PubMed 30054569.

NC_000017.10:g.(?_41256119)_(41277500_?)dup

Genes: BRCA1 (BRCA1 DNA repair associated; minus strand), LOC111589216 (BRCA1 intron 2 regulatory region; plus strand), LOC110485084 (BRCA1 intronic recombination region; plus strand), LOC111589215 (BRCA1 promoter region; plus strand). Cytogenetic location: 17q21.31.
Variant type: Duplication.
Identifiers: ClinVar variation 652955 (VCV000652955.3).